The following is an entry in ClinVar:

NM_031885.5(BBS2):c.565C>T (p.Arg189Ter)

Gene: BBS2 (Bardet-Biedl syndrome 2; minus strand). Cytogenetic location: 16q13.
Variant type: single nucleotide variant.
Coding change: c.565C>T on transcript NM_031885.5 (MANE Select); coding-DNA position 565, C replaced by T.
Protein change: p.Arg189Ter; replaces arginine 189 with a stop codon.
Molecular consequence: nonsense. On other transcripts: non-coding transcript variant (5).
Genome position (GRCh38, 1-based): chr16:56,510,004, G>A on the plus strand (C>T on the coding strand, the complement: BBS2 is on the minus strand). VCF-style: chr16-56510004-G-A. GRCh37 (hg19) VCF-style: chr16-56543916-G-A.
Other names: c.565C>T, p.Arg189Ter (NM_001377456.1); short protein forms R189*.
Identifiers: ClinVar variation 550801 (VCV000550801.30), dbSNP rs1273181642, ClinGen allele CA395984063.

ClinVar aggregate classification (germline): Pathogenic. Review status: criteria provided, multiple submitters, no conflicts (2 of 4 stars). 10 submissions from 10 submitters: Pathogenic (9). 1 of the submissions does not count toward it. Last evaluated 2025-09-24.

Conditions:
BBS2-related disorder. Also called: BBS2-related disorders; BBS2-related condition. Identifiers: MedGen CN239228.
Retinal dystrophy. Also called: Inherited retinal dystrophy. Identifiers: Orphanet 71862, MedGen C0854723, MeSH D058499, MONDO:0019118, HP:0000556.
Bardet-Biedl syndrome (BBS). Identifiers: Orphanet 110, MedGen C0752166, MONDO:0015229.
Bardet-Biedl syndrome 2 (BBS2). Identifiers: Orphanet 110, MedGen C2936863, MONDO:0014432, OMIM 615981.

Allele frequency attached by ClinVar (database versions not stated): TOPMed below 0.00001; gnomAD 0.00001; gnomAD exomes 0.00001 and 0.00003.
gnomAD v4.1: 44 of 1,613,860 alleles (0.0027%); highest among the groups gnomAD compares: East Asian, 0.0045%; no homozygotes.

Submissions (10):

PreventionGenetics, part of Exact Sciences
Classification: Pathogenic for BBS2-related condition. Last evaluated: 2025-09-24. Review status: criteria provided, single submitter. Criteria: ACMG Guidelines, 2015. Collection method: clinical testing. Allele origin: germline.
Comment: The BBS2 c.565C>T variant is predicted to result in premature protein termination (p.Arg189*). This variant has been reported mostly in the homozygous state in Bardet-Biedl syndrome, ciliopathy, and retinal dystrophy cohorts (Smaoui et al 2006. PubMed ID: 16877420; Castro-Sánchez et al 2017. PubMed ID: 28800606; Supplementary Table 8, Perea-Romero et al. 2021. PubMed ID: 34448047; Meyer et al. 2022. PubMed ID: 35112343; Table S3, Deutsch et al. 2023. PubMed ID: 38868576; M'hamdi et al. 2014. PubMed ID: 23432027). This variant is reported in 0.0054% of alleles in individuals of East Asian descent in gnomAD. Nonsense variants in BBS2 are expected to be pathogenic. This variant is interpreted as pathogenic.

Natera, Inc.
Classification: Pathogenic for Bardet-Biedl syndrome type 2. Last evaluated: 2025-04-03. Review status: criteria provided, single submitter. Criteria: Natera Variant Classification Schema (03/2026). Collection method: clinical testing. Allele origin: germline.
Comment: The c.565C>T variant in BBS2 is a nonsense variant predicted to introduce a stop codon at amino acid 189. This variant is expected to result in nonsense mediated decay, truncation, or a dysfunctional protein product. This variant is rare in the general population with a frequency below the threshold expected for the associated phenotype(s). This variant has been observed in one or more individuals affected with the associated recessive disease, as either homozygous or compound heterozygous with a second variant (PMID: 16877420). Given the available evidence, this variant is classified as Pathogenic.

CeGaT Center for Human Genetics Tuebingen
Classification: Pathogenic. Last evaluated: 2025-03-01. Review status: criteria provided, single submitter. Criteria: CeGaT Center For Human Genetics Tuebingen Variant Classification Criteria Version 2. Collection method: clinical testing. Allele origin: germline. Affected: yes. Observed: 2 variant alleles.
Comment: BBS2: PVS1, PM2

Baylor Genetics
Classification: Pathogenic for Bardet-Biedl syndrome 2. Last evaluated: 2024-03-20. Review status: criteria provided, single submitter. Criteria: ACMG Guidelines, 2015. Collection method: clinical testing. Allele origin: unknown.

Labcorp Genetics (formerly Invitae), Labcorp
Classification: Pathogenic for Bardet-Biedl syndrome. Last evaluated: 2023-12-01. Review status: criteria provided, single submitter. Criteria: Invitae Variant Classification Sherloc (09022015). Collection method: clinical testing. Allele origin: germline.
Comment: This sequence change creates a premature translational stop signal (p.Arg189*) in the BBS2 gene. It is expected to result in an absent or disrupted protein product. Loss-of-function variants in BBS2 are known to be pathogenic (PMID: 11285252, 20177705, 24608809, 26518167). This variant is present in population databases (no rsID available, gnomAD 0.006%). This premature translational stop signal has been observed in individual(s) with Bardet-Biedl syndrome (PMID: 16877420, 23432027, 28800606). ClinVar contains an entry for this variant (Variation ID: 550801). For these reasons, this variant has been classified as Pathogenic.

Blueprint Genetics
Classification: Pathogenic for BBS2-related disorders. Last evaluated: 2022-12-16. Review status: criteria provided, single submitter. Criteria: ACMG Guidelines, 2015. Collection method: clinical testing. Allele origin: germline. Affected: yes. Observed: 3 variant alleles.

Institute of Human Genetics, Univ. Regensburg, Univ. Regensburg
Classification: Pathogenic for Retinal dystrophy. Last evaluated: 2021-01-01. Review status: criteria provided, single submitter. Criteria: ACMG Guidelines, 2015. Collection method: clinical testing. Allele origin: germline. Affected: yes.

Women's Health and Genetics/Laboratory Corporation of America, LabCorp
Classification: Pathogenic for Bardet-Biedl syndrome. Last evaluated: 2020-06-22. Review status: criteria provided, single submitter. Criteria: LabCorp Variant Classification Summary - May 2015. Collection method: clinical testing. Allele origin: germline.
Comment: Variant summary: BBS2 c.565C>T (p.Arg189X) results in a premature termination codon, predicted to cause a truncation of the encoded protein or absence of the protein due to nonsense mediated decay, which are commonly known mechanisms for disease. Truncations downstream of this position have been classified as pathogenic by our laboratory. The variant allele was found at a frequency of 8e-06 in 251318 control chromosomes (gnomAD). c.565C>T has been reported in the literature in multiple homozygous individuals affected with Bardet-Biedl Syndrome (e.g. Castro-Sanchez_2017, Mhamdi_2014, Smaoui_2006). These data indicate that the variant is very likely to be associated with disease. Two ClinVar submitters (evaluation after 2014) cite the variant as pathogenic. Based on the evidence outlined above, the variant was classified as pathogenic.

Juno Genomics, Hangzhou Juno Genomics, Inc
Classification: Pathogenic for Bardet-Biedl syndrome 2. Review status: criteria provided, single submitter. Criteria: ACMG Guidelines, 2015. Collection method: clinical testing. Allele origin: germline.
Comment: Absent from controls (or at extremely low frequency if recessive) in Genome Aggregation Database.;Null variant in a gene where loss of function (LOF) is a known mechanism of disease.;For recessive disorders, detected in trans with a pathogenic variant.;Patient's phenotype or family history is highly specific for a disease with a single genetic etiology.

Counsyl
Classification: Pathogenic for Bardet-Biedl syndrome 2. Last evaluated: 2017-02-21. Review status: no assertion criteria provided. Collection method: clinical testing. Allele origin: unknown. Not counted in ClinVar's aggregate classification.

Literature cited by the submitters: PubMed 16877420 (cited by 5 submitters); PubMed 11285252 (cited by Labcorp Genetics (formerly Invitae), Labcorp); PubMed 20177705 (cited by Labcorp Genetics (formerly Invitae), Labcorp); PubMed 24608809 (cited by Labcorp Genetics (formerly Invitae), Labcorp); PubMed 26518167 (cited by Labcorp Genetics (formerly Invitae), Labcorp); PubMed 23432027 (cited by Labcorp Genetics (formerly Invitae), Labcorp and Women's Health and Genetics/Laboratory Corporation of America, LabCorp); PubMed 28800606 (cited by 3 submitters); PubMed 22908982 (cited by Institute of Human Genetics, Univ. Regensburg, Univ. Regensburg); PubMed 25525159 (cited by Institute of Human Genetics, Univ. Regensburg, Univ. Regensburg); PubMed 31589614 (cited by Institute of Human Genetics, Univ. Regensburg, Univ. Regensburg); PubMed 31964843 (cited by Institute of Human Genetics, Univ. Regensburg, Univ. Regensburg); PubMed 34448047 (cited by Institute of Human Genetics, Univ. Regensburg, Univ. Regensburg); PubMed 35112343 (cited by Institute of Human Genetics, Univ. Regensburg, Univ. Regensburg); PubMed 35835773 (cited by Institute of Human Genetics, Univ. Regensburg, Univ. Regensburg).